The following is an entry in ClinVar:

ClinVar aggregate classification (germline): Uncertain significance (1 of 4 stars; one submission).

Conditions:
Cockayne syndrome type 2 (CSB). Also called: Cockayne Syndrome, Type II; COCKAYNE SYNDROME B. Identifiers: Orphanet 191, Orphanet 90322, MedGen C0751038, MONDO:0019570, OMIM 133540.

gnomAD v4.1: 1 of 1,613,772 alleles (0.000062%); highest among the groups gnomAD compares: East Asian, 0.0022%; no homozygotes.

Submission:

Juno Genomics, Hangzhou Juno Genomics, Inc
Classification: Uncertain significance for Cockayne syndrome type 2. Review status: criteria provided, single submitter. Criteria: ACMG Guidelines, 2015. Collection method: clinical testing. Allele origin: germline. Affected: yes.
Comment: Absent from controls (or at extremely low frequency if recessive) in Genome Aggregation Database, Exome Sequencing Project, 1000 Genomes Project, or Exome Aggregation Consortium.;Multiple lines of computational evidence support a deleterious effect on the gene or gene product (conservation, evolutionary, splicing impact, etc).

NM_000124.4(ERCC6):c.2828A>C (p.Gln943Pro)

Genes: ERCC6 (ERCC excision repair 6, chromatin remodeling factor; minus strand), LOC126860933 (BRD4-independent group 4 enhancer GRCh37_chr10:50679962-50681161; plus strand). Cytogenetic location: 10q11.23.
Variant type: single nucleotide variant.
Coding change: c.2828A>C on transcript NM_000124.4 (MANE Select); coding-DNA position 2828, A replaced by C.
Protein change: p.Gln943Pro; replaces glutamine 943 with proline.
Molecular consequence: missense variant.
Genome position (GRCh38, 1-based): chr10:49,472,910, T>G on the plus strand (A>C on the coding strand, the complement: ERCC6 is on the minus strand). VCF-style: chr10-49472910-T-G. GRCh37 (hg19) VCF-style: chr10-50680956-T-G.
Other names: c.2828A>C, p.Gln943Pro (NM_001346440.2); short protein forms Q943P.
Identifiers: ClinVar variation 3382269 (VCV003382269.2).